The following is an entry in ClinVar:

NM_000057.4(BLM):c.2206dup (p.Tyr736fs)

Gene: BLM (BLM RecQ like helicase; plus strand). Cytogenetic location: 15q26.1.
Variant type: Duplication.
Coding change: c.2206dup on transcript NM_000057.4 (MANE Select); coding-DNA position 2206, one base duplicated (T; older notation c.2206dupT).
Protein change: p.Tyr736fs; shifts the reading frame from tyrosine 736.
Molecular consequence: frameshift variant.
Genome position (GRCh38, 1-based): chr15:90,766,922, T duplicated. VCF-style (leftmost placement, unchanged base first): chr15-90766921-A-AT. GRCh37 (hg19) VCF-style: chr15-91310151-A-AT.
Other names: c.2206dup (LRG_20t1); c.2206dup, p.Tyr736fs (NM_001287246.2, NM_001287247.2); c.1081dup, p.Tyr361fs (NM_001287248.2); short protein forms Y736fs, Y361fs.
Identifiers: ClinVar variation 317406 (VCV000317406.10), dbSNP rs886051551, ClinGen allele CA10646709.

ClinVar aggregate classification (germline): Pathogenic. Review status: criteria provided, multiple submitters, no conflicts (2 of 4 stars). 2 submissions from 2 submitters: Pathogenic (2). Last evaluated 2024-06-04.

Conditions:
Bloom syndrome (BLM). Also called: Bloom-Torre-Machacek syndrome. Identifiers: Orphanet 125, MedGen C0005859, MONDO:0008876, OMIM 210900.

Submissions (2):

Labcorp Genetics (formerly Invitae), Labcorp
Classification: Pathogenic for Bloom syndrome. Last evaluated: 2024-06-04. Review status: criteria provided, single submitter. Criteria: Invitae Variant Classification Sherloc (09022015). Collection method: clinical testing. Allele origin: germline.
Comment: This sequence change creates a premature translational stop signal (p.Tyr736Leufs*5) in the BLM gene. It is expected to result in an absent or disrupted protein product. Loss-of-function variants in BLM are known to be pathogenic (PMID: 17407155). Information on the frequency of this variant in the gnomAD database is not available, as this variant may be reported differently in the database. This particular variant is a well documented pathogenic founder variant in Bloom syndrome in individuals of Ashkenazi Jewish ancestry (PMID: 7585968, 9758720). It is present at a carrier rate of 1/107 unaffected individuals of Ashkenazi Jewish ancestry (PMID: 9758720, 9837821). This variant is also known as blm-Ash; 6-bp deletion and 7-bp insertion at nt 2281. ClinVar contains an entry for this variant (Variation ID: 5454). For these reasons, this variant has been classified as Pathogenic.

Illumina Laboratory Services, Illumina
Classification: Pathogenic for Bloom syndrome. Last evaluated: 2017-04-27. Review status: criteria provided, single submitter. Criteria: ICSL Variant Classification Criteria 09 May 2019. Collection method: clinical testing. Allele origin: germline.
Comment: The BLM c.2206dupT (p.Tyr736LeufsTer5), also known as c.2207_2212delinsTAGATTC or BLMAsh, results in a frameshift and is predicted to result in premature termination of the protein. The p.Tyr736LeufsTer5 variant is a known common pathogenic founder variant in the Ashkenazi Jewish population asociated with Bloom syndrome (Sanz et al. 2013). The p.Tyr736LeufsTer5 variant has been reported in at least three studies in which it is found in a total of 44 individuals with Bloom syndrome including in 34 in a homozygous state and in ten in a compound heterozygous state (Ellis et al. 1995; Ellis et al. 1998; German et al. 2007). The p.Tyr736LeufsTer5 variant has been found in a heterozygous state in 19 out of 2998 healthy controls and is reported at a frequency of 0.00037 in the European American population of the Exome Sequencing Project (Oddoux et al. 1999; Gruber et al. 2002). Functional studies in the GM08505 cell line showed the variant resulted in significantly higher sister-chromatid exchanges, a delayed DNA damage response and inefficient DNA repair (Shastri and Schmidt 2015). Based on the collective evidence and the potential impact of frameshift variants, the p.Tyr736LeufsTer5 variant is classified as pathogenic for Bloom syndrome. This variant was observed by ICSL as part of a predisposition screen in an ostensibly healthy population.

Literature cited by the submitters: PubMed 17407155 (cited by Labcorp Genetics (formerly Invitae), Labcorp and Illumina Laboratory Services, Illumina); PubMed 7585968 (cited by Labcorp Genetics (formerly Invitae), Labcorp and Illumina Laboratory Services, Illumina); PubMed 9758720 (cited by Labcorp Genetics (formerly Invitae), Labcorp); PubMed 9837821 (cited by Labcorp Genetics (formerly Invitae), Labcorp and Illumina Laboratory Services, Illumina); PubMed 12242432 (cited by Illumina Laboratory Services, Illumina); PubMed 26788541 (cited by Illumina Laboratory Services, Illumina); PubMed 10090915 (cited by Illumina Laboratory Services, Illumina); PubMed 20301572 (cited by Illumina Laboratory Services, Illumina).